The following is an entry in ClinVar:

ClinVar aggregate classification (germline): Conflicting classifications of pathogenicity. Review status: criteria provided, conflicting classifications (1 of 4 stars). 3 submissions from 3 submitters: Uncertain significance (1); Likely benign (1). 1 of the submissions does not count toward it. Last evaluated 2024-12-23.

Conditions:
Nephronophthisis. Also called: Juvenile Nephronophthisis. Identifiers: Orphanet 655, MedGen C0687120, MONDO:0019005, HP:0000090.
NPHP4-related disorder. Also called: NPHP4-related disorders; NPHP4-related condition. Identifiers: MedGen CN239384.

Allele frequency attached by ClinVar (database versions not stated): gnomAD 0.00001; ExAC 0.00002; TOPMed 0.00003; gnomAD exomes 0.00006.
gnomAD v4.1: 24 of 1,593,878 alleles (0.0015%); highest among the groups gnomAD compares: Admixed American, 0.024%; no homozygotes.

Submissions (3):

Labcorp Genetics (formerly Invitae), Labcorp
Classification: Likely benign for Nephronophthisis. Last evaluated: 2024-12-23. Review status: criteria provided, single submitter. Criteria: Invitae Variant Classification Sherloc (09022015). Collection method: clinical testing. Allele origin: germline.

Eurofins Ntd Llc (ga)
Classification: Uncertain significance. Last evaluated: 2016-05-12. Review status: criteria provided, single submitter. Criteria: EGL Classification Definitions 2015. Collection method: clinical testing. Allele origin: germline. Observed: 1 variant allele, 1 heterozygote.

PreventionGenetics, part of Exact Sciences
Classification: Likely benign for NPHP4-related condition. Last evaluated: 2021-06-21. Review status: no assertion criteria provided. Collection method: clinical testing. Allele origin: germline. Not counted in ClinVar's aggregate classification.
Comment: This variant is classified as likely benign based on ACMG/AMP sequence variant interpretation guidelines (Richards et al. 2015 PMID: 25741868, with internal and published modifications).

NM_015102.5(NPHP4):c.4143C>T (p.Val1381=)

Gene: NPHP4 (nephrocystin 4; minus strand). Cytogenetic location: 1p36.31.
Variant type: single nucleotide variant.
Coding change: c.4143C>T on transcript NM_015102.5 (MANE Select); coding-DNA position 4143, C replaced by T.
Protein change: p.Val1381=; no amino-acid change (valine 1381 retained).
Molecular consequence: synonymous variant. On other transcripts: non-coding transcript variant (1).
Genome position (GRCh38, 1-based): chr1:5,863,403, G>A on the plus strand (C>T on the coding strand, the complement: NPHP4 is on the minus strand). VCF-style: chr1-5863403-G-A. GRCh37 (hg19) VCF-style: chr1-5923463-G-A.
Other names: c.4143C>T (NM_015102.4); c.2604C>T, p.Val868= (NM_001291593.2); c.2607C>T, p.Val869= (NM_001291594.2).
Identifiers: ClinVar variation 288025 (VCV000288025.14), dbSNP rs766613810, ClinGen allele CA553315.